The following is an entry in ClinVar:

ClinVar aggregate classification (germline): Pathogenic (1 of 4 stars; one submission).

Conditions:
Congenital sideroblastic anemia-B-cell immunodeficiency-periodic fever-developmental delay syndrome. Also called: Sideroblastic anemia with B-cell immunodeficiency, periodic fevers, and developmental delay. Identifiers: Orphanet 369861, MedGen C4015172, MONDO:0014487, OMIM 616084.

Submission:

Labcorp Genetics (formerly Invitae), Labcorp
Classification: Pathogenic for Congenital sideroblastic anemia-B-cell immunodeficiency-periodic fever-developmental delay syndrome. Last evaluated: 2020-02-07. Review status: criteria provided, single submitter. Criteria: Invitae Variant Classification Sherloc (09022015). Collection method: clinical testing. Allele origin: germline.
Comment: Loss-of-function variants in TRNT1 are known to be pathogenic (PMID: 25193871). For these reasons, this variant has been classified as Pathogenic. This variant has not been reported in the literature in individuals with TRNT1-related conditions. This variant is not present in population databases (ExAC no frequency). This sequence change creates a premature translational stop signal (p.Phe80Leufs*10) in the TRNT1 gene. It is expected to result in an absent or disrupted protein product.

Literature cited by the submitters: PubMed 25193871.

NM_182916.3(TRNT1):c.240del (p.Phe80fs)

Gene: TRNT1 (tRNA nucleotidyl transferase 1; plus strand). Cytogenetic location: 3p26.2.
Variant type: Deletion.
Coding change: c.240del on transcript NM_182916.3 (MANE Select); coding-DNA position 240, one base deleted (T; older notation c.240delT).
Protein change: p.Phe80fs; shifts the reading frame from phenylalanine 80.
Molecular consequence: frameshift variant. On other transcripts: non-coding transcript variant (8).
Genome position (GRCh38, 1-based): chr3:3,137,351, T deleted; the last of 4 consecutive T bases (chr3:3,137,348-3,137,351); deleting any one gives the same sequence. VCF-style (leftmost placement, unchanged base first): chr3-3137347-AT-A. GRCh37 (hg19) VCF-style: chr3-3179031-AT-A.
Other names: c.240del, p.Phe80fs (NM_001302946.2, NM_001367321.1, NM_001367322.1 and 1 more transcripts); short protein forms F80fs.
Identifiers: ClinVar variation 1074723 (VCV001074723.5), dbSNP rs1297648080, ClinGen allele CA906188625.